The following is an entry in ClinVar:

ClinVar aggregate classification (germline): Uncertain significance (1 of 4 stars; one submission).

Submission:

Ambry Genetics
Classification: Uncertain significance. Last evaluated: 2025-03-10. Review status: criteria provided, single submitter. Criteria: Ambry Variant Classification Scheme 2023. Collection method: clinical testing. Allele origin: germline.
Comment: The p.H278Q variant (also known as c.834C>A), located in coding exon 4 of the GFI1 gene, results from a C to A substitution at nucleotide position 834. The histidine at codon 278 is replaced by glutamine, an amino acid with highly similar properties. This amino acid position is conserved. In addition, this alteration is predicted to be deleterious by in silico analysis. Based on the available evidence, the clinical significance of this variant remains unclear.

NM_005263.5(GFI1):c.834C>A (p.His278Gln)

Gene: GFI1 (growth factor independent 1 transcriptional repressor; minus strand). Cytogenetic location: 1p22.1.
Variant type: single nucleotide variant.
Coding change: c.834C>A on transcript NM_005263.5 (MANE Select); coding-DNA position 834, C replaced by A.
Protein change: p.His278Gln; replaces histidine 278 with glutamine.
Molecular consequence: missense variant.
Genome position (GRCh38, 1-based): chr1:92,480,438, G>T on the plus strand (C>A on the coding strand, the complement: GFI1 is on the minus strand). VCF-style: chr1-92480438-G-T. GRCh37 (hg19) VCF-style: chr1-92945995-G-T.
Other names: c.834C>A, p.His278Gln (NM_001127215.3, NM_001127216.3); short protein forms H278Q.
Identifiers: ClinVar variation 3853746 (VCV003853746.1).